The following is an entry in ClinVar:

NM_205836.3(FBXO38):c.3392C>G (p.Thr1131Ser)

Gene: FBXO38 (F-box protein 38; plus strand). Cytogenetic location: 5q32.
Variant type: single nucleotide variant.
Coding change: c.3392C>G on transcript NM_205836.3 (MANE Select); coding-DNA position 3392, C replaced by G.
Protein change: p.Thr1131Ser; replaces threonine 1131 with serine.
Molecular consequence: missense variant.
Genome position (GRCh38, 1-based): chr5:148,441,972, C>G. VCF-style: chr5-148441972-C-G. GRCh37 (hg19) VCF-style: chr5-147821535-C-G.
Other names: c.2657C>G, p.Thr886Ser (NM_001271723.2); c.3167C>G, p.Thr1056Ser (NM_030793.5); short protein forms T1131S, T1056S, T886S.
Identifiers: ClinVar variation 2767882 (VCV002767882.3), dbSNP rs2531868515, ClinGen allele CA361661528.

ClinVar aggregate classification (germline): Uncertain significance (1 of 4 stars; one submission).

Conditions:
Distal hereditary motor neuropathy type 2. Identifiers: Orphanet 139525, MedGen C3711384, MeSH C580044, MONDO:0015352.

Submission:

Labcorp Genetics (formerly Invitae), Labcorp
Classification: Uncertain significance for Distal hereditary motor neuropathy type 2. Last evaluated: 2023-10-13. Review status: criteria provided, single submitter. Criteria: Invitae Variant Classification Sherloc (09022015). Collection method: clinical testing. Allele origin: germline.
Comment: This sequence change replaces threonine, which is neutral and polar, with serine, which is neutral and polar, at codon 1056 of the FBXO38 protein (p.Thr1056Ser). This variant is not present in population databases (gnomAD no frequency). This variant has not been reported in the literature in individuals affected with FBXO38-related conditions. An algorithm developed to predict the effect of missense changes on protein structure and function (PolyPhen-2) suggests that this variant is likely to be disruptive. Algorithms developed to predict the effect of sequence changes on RNA splicing suggest that this variant may create or strengthen a splice site. In summary, the available evidence is currently insufficient to determine the role of this variant in disease. Therefore, it has been classified as a Variant of Uncertain Significance.